The following is an entry in ClinVar:

NM_001098.3(ACO2):c.498G>T (p.Trp166Cys)

Gene: ACO2 (aconitase 2; plus strand). Cytogenetic location: 22q13.2.
Variant type: single nucleotide variant.
Coding change: c.498G>T on transcript NM_001098.3 (MANE Select); coding-DNA position 498, G replaced by T.
Protein change: p.Trp166Cys; replaces tryptophan 166 with cysteine.
Molecular consequence: missense variant.
Genome position (GRCh38, 1-based): chr22:41,511,941, G>T. VCF-style: chr22-41511941-G-T. GRCh37 (hg19) VCF-style: chr22-41907945-G-T.
Other names: short protein forms W166C.
Identifiers: ClinVar variation 1721254 (VCV001721254.5), dbSNP rs2518219821, ClinGen allele CA411715992.
Genomic context (GRCh38, chr22:41,511,941, plus strand): 5'-CAACCAGGAAGTTTATAATTTCCTGGCAACTGCAGGTGCCAAATATGGCGTGGGCTTCTG[G>T]AAGCCTGGATCTGGAATCATTCACCAGGTAAAGCTGGGCTCAGTCTGCCGTCCCAAGGGC-3'
Protein context (NP_001089.1, residues 156-176): TAGAKYGVGF[Trp166Cys]KPGSGIIHQI

ClinVar aggregate classification (germline): Uncertain significance (1 of 4 stars; one submission).

Allele frequency attached by ClinVar (database versions not stated): gnomAD exomes below 0.00001.
gnomAD v4.1: 1 of 1,611,196 alleles (0.000062%); highest among the groups gnomAD compares: Non-Finnish European, 0.000085%; no homozygotes.

Submission:

Labcorp Genetics (formerly Invitae), Labcorp
Classification: Uncertain significance. Last evaluated: 2022-10-08. Review status: criteria provided, single submitter. Criteria: Invitae Variant Classification Sherloc (09022015). Collection method: clinical testing. Allele origin: germline.
Comment: In summary, the available evidence is currently insufficient to determine the role of this variant in disease. Therefore, it has been classified as a Variant of Uncertain Significance. This sequence change replaces tryptophan, which is neutral and slightly polar, with cysteine, which is neutral and slightly polar, at codon 166 of the ACO2 protein (p.Trp166Cys). This variant is not present in population databases (gnomAD no frequency). This variant has not been reported in the literature in individuals affected with ACO2-related conditions. Advanced modeling of protein sequence and biophysical properties (such as structural, functional, and spatial information, amino acid conservation, physicochemical variation, residue mobility, and thermodynamic stability) performed at Invitae indicates that this missense variant is expected to disrupt ACO2 protein function.